The following is an entry in ClinVar:

ClinVar aggregate classification (germline): Uncertain significance. Review status: criteria provided, multiple submitters, no conflicts (2 of 4 stars). 2 submissions from 2 submitters: Uncertain significance (2). Last evaluated 2022-08-16.

Conditions:
Granulomatous disease, chronic, autosomal recessive, cytochrome b-positive, type 2. Also called: GRANULOMATOUS DISEASE, CHRONIC, AUTOSOMAL RECESSIVE, 2; Chronic granulomatous disease due to deficiency of NCF-2; CGD, AUTOSOMAL RECESSIVE CYTOCHROME b-POSITIVE, TYPE II; GRANULOMATOUS DISEASE, CHRONIC, DUE TO NCF2 DEFICIENCY; Chronic Granulomatous Disease, Autosomal Recessive, Cytochrome b-Positive, Type II. Identifiers: Orphanet 379, MedGen C1856245, MONDO:0009310, OMIM 233710.
Inborn genetic diseases. Identifiers: MedGen C0950123, MeSH D030342.

Allele frequency attached by ClinVar (database versions not stated): gnomAD exomes below 0.00001 and 0.00001.
gnomAD v4.1: 11 of 1,613,842 alleles (0.00068%); highest among the groups gnomAD compares: Middle Eastern, 0.033%; no homozygotes.

Submissions (2):

Labcorp Genetics (formerly Invitae), Labcorp
Classification: Uncertain significance for Granulomatous disease, chronic, autosomal recessive, cytochrome b-positive, type 2. Last evaluated: 2022-08-16. Review status: criteria provided, single submitter. Criteria: Invitae Variant Classification Sherloc (09022015). Collection method: clinical testing. Allele origin: germline.
Comment: This sequence change replaces arginine, which is basic and polar, with tryptophan, which is neutral and slightly polar, at codon 523 of the NCF2 protein (p.Arg523Trp). This variant is present in population databases (no rsID available, gnomAD 0.006%). This variant has not been reported in the literature in individuals affected with NCF2-related conditions. ClinVar contains an entry for this variant (Variation ID: 1056239). Algorithms developed to predict the effect of missense changes on protein structure and function are either unavailable or do not agree on the potential impact of this missense change (SIFT: "Deleterious"; PolyPhen-2: "Possibly Damaging"; Align-GVGD: "Class C0"). In summary, the available evidence is currently insufficient to determine the role of this variant in disease. Therefore, it has been classified as a Variant of Uncertain Significance.

Ambry Genetics
Classification: Uncertain significance for Inborn genetic diseases. Last evaluated: 2021-07-06. Review status: criteria provided, single submitter. Criteria: Ambry Variant Classification Scheme 2023. Collection method: clinical testing. Allele origin: germline.

NM_000433.4(NCF2):c.1567C>T (p.Arg523Trp)

Gene: NCF2 (neutrophil cytosolic factor 2; minus strand). Cytogenetic location: 1q25.3.
Variant type: single nucleotide variant.
Coding change: c.1567C>T on transcript NM_000433.4 (MANE Select); coding-DNA position 1567, C replaced by T.
Protein change: p.Arg523Trp; replaces arginine 523 with tryptophan.
Molecular consequence: missense variant.
Genome position (GRCh38, 1-based): chr1:183,556,132, G>A on the plus strand (C>T on the coding strand, the complement: NCF2 is on the minus strand). VCF-style: chr1-183556132-G-A. GRCh37 (hg19) VCF-style: chr1-183525267-G-A.
Other names: c.1567C>T, p.Arg523Trp (NM_001127651.3); c.1324C>T, p.Arg442Trp (NM_001190789.2); c.1432C>T, p.Arg478Trp (NM_001190794.2); c.1567C>T (NM_000433.3); short protein forms R442W, R478W, R523W.
Identifiers: ClinVar variation 1056239 (VCV001056239.7), dbSNP rs1484391507, ClinGen allele CA343703219.